The following is an entry in ClinVar:

NM_000138.5(FBN1):c.3463+1G>A

Gene: FBN1 (fibrillin 1; minus strand). Cytogenetic location: 15q21.1.
Variant type: single nucleotide variant.
Coding change: c.3463+1G>A on transcript NM_000138.5 (MANE Select); the canonical splice donor site of the intron after coding-DNA position 3463, G replaced by A.
Molecular consequence: splice donor variant.
Genome position (GRCh38, 1-based): chr15:48,487,311, C>T on the plus strand (G>A on the coding strand, the complement: FBN1 is on the minus strand). VCF-style: chr15-48487311-C-T. GRCh37 (hg19) VCF-style: chr15-48779508-C-T.
Other names: c.3463+1G>A (NM_001406716.1).
Identifiers: ClinVar variation 837133 (VCV000837133.8), dbSNP rs397515792, ClinGen allele CA392326091.

ClinVar aggregate classification (germline): Pathogenic (1 of 4 stars; one submission).

Conditions:
Familial thoracic aortic aneurysm and aortic dissection (TAAD). Also called: Thoracic aortic aneurysms and dissections. Identifiers: Orphanet 91387, MedGen C4707243, MONDO:0019625.
Marfan syndrome (MFS). Also called: FBN1-Related Marfan Syndrome; Marfan's syndrome; MARFAN SYNDROME, TYPE I; Marfan syndrome type 1; Marfan syndrome, classic. Identifiers: Orphanet 284963, Orphanet 558, MedGen C0024796, MONDO:0007947, OMIM 154700.

Submission:

Labcorp Genetics (formerly Invitae), Labcorp
Classification: Pathogenic for Marfan syndrome; Familial thoracic aortic aneurysm and aortic dissection. Last evaluated: 2022-06-19. Review status: criteria provided, single submitter. Criteria: Invitae Variant Classification Sherloc (09022015). Collection method: clinical testing. Allele origin: germline.
Comment: For these reasons, this variant has been classified as Pathogenic. Algorithms developed to predict the effect of sequence changes on RNA splicing suggest that this variant may disrupt the consensus splice site. ClinVar contains an entry for this variant (Variation ID: 837133). This variant is also known as IVS27+1G>A. Disruption of this splice site has been observed in individual(s) with Marfan syndrome (PMID: 9452033, 31730815). This variant is not present in population databases (gnomAD no frequency). This sequence change affects a donor splice site in intron 28 of the FBN1 gene. It is expected to disrupt RNA splicing. Variants that disrupt the donor or acceptor splice site typically lead to a loss of protein function (PMID: 16199547), and loss-of-function variants in FBN1 are known to be pathogenic (PMID: 17657824, 19293843).

Literature cited by the submitters: PubMed 9452033; PubMed 31730815; PubMed 16199547; PubMed 17657824; PubMed 19293843.